The following is an entry in ClinVar:

ClinVar aggregate classification (germline): Uncertain significance (1 of 4 stars; one submission).

gnomAD v4.1: 1 of 1,614,078 alleles (0.000062%); highest among the groups gnomAD compares: African/African-American, 0.0013%; no homozygotes.

Submission:

Labcorp Genetics (formerly Invitae), Labcorp
Classification: Uncertain significance. Last evaluated: 2025-06-23. Review status: criteria provided, single submitter. Criteria: Invitae Variant Classification Sherloc (09022015). Collection method: clinical testing. Allele origin: germline.
Comment: This sequence change replaces serine, which is neutral and polar, with asparagine, which is neutral and polar, at codon 60 of the PIK3C2A protein (p.Ser60Asn). This variant is not present in population databases (gnomAD no frequency). This variant has not been reported in the literature in individuals affected with PIK3C2A-related conditions. An algorithm developed to predict the effect of missense changes on protein structure and function outputs the following: PolyPhen-2: "Benign". The asparagine amino acid residue is found in multiple mammalian species, which suggests that this missense change does not adversely affect protein function. In summary, the available evidence is currently insufficient to determine the role of this variant in disease. Therefore, it has been classified as a Variant of Uncertain Significance.

NM_002645.4(PIK3C2A):c.179G>A (p.Ser60Asn)

Gene: PIK3C2A (phosphatidylinositol-4-phosphate 3-kinase catalytic subunit type 2 alpha; minus strand). Cytogenetic location: 11p15.1.
Variant type: single nucleotide variant.
Coding change: c.179G>A on transcript NM_002645.4 (MANE Select); coding-DNA position 179, G replaced by A.
Protein change: p.Ser60Asn; replaces serine 60 with asparagine.
Molecular consequence: missense variant. On other transcripts: intron variant (1).
Genome position (GRCh38, 1-based): chr11:17,169,563, C>T on the plus strand (G>A on the coding strand, the complement: PIK3C2A is on the minus strand). VCF-style: chr11-17169563-C-T. GRCh37 (hg19) VCF-style: chr11-17191110-C-T.
Other names: c.179G>A, p.Ser60Asn (NM_001321378.2, NM_001386870.1); c.-75-13934G>A (NM_001321380.2); short protein forms S60N.
Identifiers: ClinVar variation 4765483 (VCV004765483.1).
Genomic context (GRCh38, chr11:17,169,563, plus strand): 5'-TCAGGAAACACCATGAGATCATAATCCTGCTTGTTATAAACCTGTGCTTTTTTTCTGGTG[C>T]TGCTTGACAACTCAAAGCCTCTCTGATTGTCAGTCACTTGTCTATCCTTTTGCAGTTTTG-3'
Protein context (NP_002636.2, residues 50-70): DNQRGFELSS[Ser60Asn]TRKKAQVYNK